The following is an entry in ClinVar:

ClinVar aggregate classification (germline): Benign/Likely benign. Review status: criteria provided, multiple submitters, no conflicts (2 of 4 stars). 8 submissions from 8 submitters: Benign (1); Likely benign (7). Last evaluated 2026-05-01.

Conditions:
Hirschsprung disease, susceptibility to, 1 (HSCR1). Also called: RET-Related Hirschsprung Disease. Identifiers: Orphanet 388, MedGen C3888239, MONDO:0007723, OMIM 142623.
Multiple endocrine neoplasia type 2B. Also called: WAGENMANN-FROBOESE SYNDROME; MULTIPLE ENDOCRINE NEOPLASIA, TYPE III; MULTIPLE ENDOCRINE NEOPLASIA, TYPE IIB; MEN IIB; NEUROMATA, MUCOSAL, WITH ENDOCRINE TUMORS; MEN 2B. Identifiers: Orphanet 247709, Orphanet 653, MedGen C0025269, MeSH D018814, MONDO:0008082, OMIM 162300.
Pheochromocytoma. Also called: MAX-Related Hereditary Paraganglioma-Pheochromocytoma Syndrome. Identifiers: Orphanet 29072, MedGen C0031511, MONDO:0008233, OMIM 171300, HP:0002666.
Familial medullary thyroid carcinoma (MTC). Also called: Thyroid cancer, familial medullary; MTC, familial; Familial Medullary Thyroid Carcinoma (FMTC). Identifiers: Orphanet 653, Orphanet 99361, MedGen C1833921, MONDO:0007958, OMIM 155240.
Multiple endocrine neoplasia type 2A. Also called: Multiple Endocrine Neoplasia Type 2A (MEN2A); MULTIPLE ENDOCRINE NEOPLASIA, TYPE IIA; PTC SYNDROME; SIPPLE SYNDROME; MEN 2A; MEN-2A syndrome. Identifiers: Orphanet 247698, Orphanet 653, MedGen C0025268, MeSH D018813, MONDO:0008234, OMIM 171400.
Hereditary cancer-predisposing syndrome. Also called: Tumor predisposition; Hereditary Cancer Syndrome; Hereditary neoplastic syndrome; Neoplastic Syndromes, Hereditary. Identifiers: Orphanet 140162, MedGen C0027672, MeSH D009386, MONDO:0015356.
Multiple endocrine neoplasia, type 2 (MEN2). Identifiers: Orphanet 653, MedGen C4048306, MONDO:0019003. Disease mechanism: gain of function.

Allele frequency attached by ClinVar (database versions not stated): gnomAD exomes below 0.00001; ExAC 0.00001; TOPMed 0.00001.
gnomAD v4.1: 7 of 1,613,504 alleles (0.00043%); highest among the groups gnomAD compares: Non-Finnish European, 0.00051%; no homozygotes.

Submissions (8):

CeGaT Center for Human Genetics Tuebingen
Classification: Likely benign. Last evaluated: 2026-05-01. Review status: criteria provided, single submitter. Criteria: CeGaT Center For Human Genetics Tuebingen Variant Classification Criteria Version 2. Collection method: clinical testing. Allele origin: germline. Affected: yes. Observed: 2 variant alleles.
Comment: RET: BP4, BP7

Labcorp Genetics (formerly Invitae), Labcorp
Classification: Likely benign for Multiple endocrine neoplasia, type 2. Last evaluated: 2025-09-04. Review status: criteria provided, single submitter. Criteria: Invitae Variant Classification Sherloc (09022015). Collection method: clinical testing. Allele origin: germline.

Myriad Genetics, Inc.
Classification: Benign for Multiple endocrine neoplasia type 2A. Last evaluated: 2025-02-25. Review status: criteria provided, single submitter. Criteria: Myriad Autosomal Dominant, Autosomal Recessive and X-Linked Classification Criteria (2023). Collection method: clinical testing. Allele origin: unknown.
Comment: This variant is considered benign. This variant is a silent/synonymous amino acid change and it is not expected to impact splicing.

All of Us Research Program, National Institutes of Health
Classification: Likely benign for Multiple endocrine neoplasia, type 2. Last evaluated: 2024-05-14. Review status: criteria provided, single submitter. Criteria: ACMG Guidelines, 2015. Collection method: clinical testing. Allele origin: germline. Inheritance: Autosomal dominant inheritance. Observed: 4 variant alleles, 4 heterozygotes.
Comment: This study involves interpretation of variants in research participants for the purpose of population health screening. Participant phenotype was not available at the time of variant classification. Additional details can be found in publication PMID: 35346344, PMCID: PMC8962531

Color Diagnostics, LLC DBA Color Health
Classification: Likely benign for Multiple endocrine neoplasia, type 2. Last evaluated: 2022-11-06. Review status: criteria provided, single submitter. Criteria: ACMG Guidelines, 2015. Collection method: clinical testing. Allele origin: germline.

Blueprint Genetics
Classification: Likely benign. Last evaluated: 2022-03-08. Review status: criteria provided, single submitter. Criteria: ACMG Guidelines, 2015. Collection method: clinical testing. Allele origin: germline.

Fulgent Genetics
Classification: Likely benign for Hirschsprung disease, susceptibility to, 1; Familial medullary thyroid carcinoma; Multiple endocrine neoplasia type 2B; Pheochromocytoma; Multiple endocrine neoplasia type 2A. Last evaluated: 2021-12-22. Review status: criteria provided, single submitter. Criteria: ACMG Guidelines, 2015. Collection method: clinical testing. Allele origin: unknown.

Ambry Genetics
Classification: Likely benign for Hereditary cancer-predisposing syndrome. Last evaluated: 2019-12-03. Review status: criteria provided, single submitter. Criteria: Ambry Variant Classification Scheme 2023. Collection method: clinical testing. Allele origin: germline.

NM_020975.6(RET):c.921A>G (p.Ser307=)

Gene: RET (ret proto-oncogene; plus strand). Cytogenetic location: 10q11.21.
Variant type: single nucleotide variant.
Coding change: c.921A>G on transcript NM_020975.6 (MANE Select); coding-DNA position 921, A replaced by G.
Protein change: p.Ser307=; no amino-acid change (serine 307 retained).
Molecular consequence: synonymous variant. On other transcripts: intron variant (25).
Genome position (GRCh38, 1-based): chr10:43,106,429, A>G. VCF-style: chr10-43106429-A-G. GRCh37 (hg19) VCF-style: chr10-43601877-A-G.
Other names: c.921A>G, p.Ser307= (NM_000323.2, NM_001406743.1, NM_001406744.1 and 6 more transcripts); c.159A>G, p.Ser53= (NM_001355216.2); c.792A>G, p.Ser264= (NM_001406761.1, NM_001406762.1, NM_001406764.1 and 1 more transcripts); c.633A>G, p.Ser211= (NM_001406766.1, NM_001406767.1, NM_001406770.1); c.867+1236A>G (NM_001406772.1, NM_001406769.1); c.626-2602A>G (NM_001406773.1, NM_001406771.1); c.625+3800A>G (NM_001406782.1, NM_001406780.1, NM_001406779.1 and 3 more transcripts); c.738+1236A>G (NM_001406774.1); and 5 more.
Identifiers: ClinVar variation 413472 (VCV000413472.39), dbSNP rs748294306, ClinGen allele CA045469.